The following is an entry in ClinVar:

NM_001376.5(DYNC1H1):c.10315G>A (p.Asp3439Asn)

Gene: DYNC1H1 (dynein cytoplasmic 1 heavy chain 1; plus strand). Cytogenetic location: 14q32.31.
Variant type: single nucleotide variant.
Coding change: c.10315G>A on transcript NM_001376.5 (MANE Select); coding-DNA position 10315, G replaced by A.
Protein change: p.Asp3439Asn; replaces aspartic acid 3439 with asparagine.
Molecular consequence: missense variant.
Genome position (GRCh38, 1-based): chr14:102,033,386, G>A. VCF-style: chr14-102033386-G-A. GRCh37 (hg19) VCF-style: chr14-102499723-G-A.
Other names: p.D3439N; short protein forms D3439N.
Identifiers: ClinVar variation 573501 (VCV000573501.9), dbSNP rs766521055, ClinGen allele CA391023993.
Genomic context (GRCh38, chr14:102,033,386, plus strand): 5'-CTGGAAGATGACGCCAAGGACAACCAGCAGAAGGCCAACGAGGTGGAGCAGATGATCCGA[G>A]ACCTGGAAGCCAGCATCGCCCGCTACAAGGAGGAATACGCCGTCCTGATCTCAGAGGCCC-3'
Protein context (NP_001367.2, residues 3429-3449): KANEVEQMIR[Asp3439Asn]LEASIARYKE

ClinVar aggregate classification (germline): Uncertain significance. Review status: criteria provided, multiple submitters, no conflicts (2 of 4 stars). 2 submissions from 2 submitters: Uncertain significance (2). Last evaluated 2018-04-09.

Conditions:
Charcot-Marie-Tooth disease axonal type 2O. Also called: CHARCOT-MARIE-TOOTH NEUROPATHY, AXONAL, TYPE 2O; CHARCOT-MARIE-TOOTH DISEASE, AXONAL, AUTOSOMAL DOMINANT, TYPE 2O; Charcot-Marie-Tooth disease, axonal, type 20; Charcot-Marie-Tooth Neuropathy Type 2O. Identifiers: Orphanet 284232, MedGen C3280220, MONDO:0013644, OMIM 614228.

gnomAD v4.1: 7 of 1,614,230 alleles (0.00043%); highest among the groups gnomAD compares: Non-Finnish European, 0.00059%; no homozygotes.

Submissions (2):

Labcorp Genetics (formerly Invitae), Labcorp
Classification: Uncertain significance for Charcot-Marie-Tooth disease axonal type 2O. Last evaluated: 2018-04-09. Review status: criteria provided, single submitter. Criteria: Invitae Variant Classification Sherloc (09022015). Collection method: clinical testing. Allele origin: germline.
Comment: This variant has not been reported in the literature in individuals with DYNC1H1-related disease. In summary, the available evidence is currently insufficient to determine the role of this variant in disease. Therefore, it has been classified as a Variant of Uncertain Significance. Algorithms developed to predict the effect of missense changes on protein structure and function do not agree on the potential impact of this missense change (SIFT: "Deleterious"; PolyPhen-2: "Benign"; Align-GVGD: "Class C0"). This variant is not present in population databases (ExAC no frequency). This sequence change replaces aspartic acid with asparagine at codon 3439 of the DYNC1H1 protein (p.Asp3439Asn). The aspartic acid residue is highly conserved and there is a small physicochemical difference between aspartic acid and asparagine.

Mayo Clinic Laboratories, Mayo Clinic
Classification: Uncertain significance. Last evaluated: 2016-05-16. Review status: criteria provided, single submitter. Criteria: ACMG Guidelines, 2015. Collection method: clinical testing. Allele origin: germline.